The following is an entry in ClinVar:

ClinVar aggregate classification (germline): Uncertain significance. Review status: criteria provided, multiple submitters, no conflicts (2 of 4 stars). 3 submissions from 3 submitters: Uncertain significance (3). Last evaluated 2026-01-04.

Conditions:
Aortic aneurysm, familial thoracic 7 (AAT7). Also called: AORTIC DISSECTION, FAMILIAL, WITH OR WITHOUT AORTIC ANEURYSM. Identifiers: MedGen C3151077, MONDO:0013418, OMIM 613780.
Familial thoracic aortic aneurysm and aortic dissection (TAAD). Also called: Thoracic aortic aneurysms and dissections. Identifiers: Orphanet 91387, MedGen C4707243, MONDO:0019625.

Allele frequency attached by ClinVar (database versions not stated): gnomAD below 0.00001 and 0.00001; gnomAD exomes below 0.00001 and 0.00003; TOPMed 0.00001; ExAC 0.00002.
gnomAD v4.1: 45 of 1,614,050 alleles (0.0028%); highest among the groups gnomAD compares: Middle Eastern, 0.016%; no homozygotes.

Submissions (3):

Labcorp Genetics (formerly Invitae), Labcorp
Classification: Uncertain significance for Aortic aneurysm, familial thoracic 7. Last evaluated: 2026-01-04. Review status: criteria provided, single submitter. Criteria: Invitae Variant Classification Sherloc (09022015). Collection method: clinical testing. Allele origin: germline.
Comment: This sequence change replaces valine, which is neutral and non-polar, with methionine, which is neutral and non-polar, at codon 1409 of the MYLK protein (p.Val1409Met). This variant is present in population databases (rs751056847, gnomAD 0.0008%). This variant has not been reported in the literature in individuals affected with MYLK-related conditions. ClinVar contains an entry for this variant (Variation ID: 409699). Invitae Evidence Modeling of protein sequence and biophysical properties (such as structural, functional, and spatial information, amino acid conservation, physicochemical variation, residue mobility, and thermodynamic stability) indicates that this missense variant is not expected to disrupt MYLK protein function with a negative predictive value of 80%. In summary, the available evidence is currently insufficient to determine the role of this variant in disease. Therefore, it has been classified as a Variant of Uncertain Significance.

Ambry Genetics
Classification: Uncertain significance for Familial thoracic aortic aneurysm and aortic dissection. Last evaluated: 2025-01-08. Review status: criteria provided, single submitter. Criteria: Ambry Variant Classification Scheme 2023. Collection method: clinical testing. Allele origin: germline.

GeneDx
Classification: Uncertain significance. Last evaluated: 2022-02-16. Review status: criteria provided, single submitter. Criteria: GeneDx Variant Classification Process June 2021. Collection method: clinical testing. Allele origin: germline. Affected: yes.
Comment: Has not been previously published as pathogenic or benign to our knowledge; Not observed at a significant frequency in large population cohorts (gnomAD); In silico analysis supports that this missense variant does not alter protein structure/function

NM_053025.4(MYLK):c.4225G>A (p.Val1409Met)

Gene: MYLK (myosin light chain kinase; minus strand). Cytogenetic location: 3q21.1.
Variant type: single nucleotide variant.
Coding change: c.4225G>A on transcript NM_053025.4 (MANE Select); coding-DNA position 4225, G replaced by A.
Protein change: p.Val1409Met; replaces valine 1409 with methionine.
Molecular consequence: missense variant.
Genome position (GRCh38, 1-based): chr3:123,657,189, C>T on the plus strand (G>A on the coding strand, the complement: MYLK is on the minus strand). VCF-style: chr3-123657189-C-T. GRCh37 (hg19) VCF-style: chr3-123376036-C-T.
Other names: c.3697G>A, p.Val1233Met (NM_001321309.2); c.4018G>A, p.Val1340Met (NM_053026.4, NM_053028.4); c.4225G>A, p.Val1409Met (NM_053027.4); short protein forms V1409M, V1340M, V1233M.
Identifiers: ClinVar variation 409699 (VCV000409699.10), dbSNP rs751056847, ClinGen allele CA071112.
Genomic context (GRCh38, chr3:123,657,189, plus strand): 5'-CAGGTTTCTCTCCTACCGTTGTGAGTTCAGACTCCTGGCTTGGCTCACTGGTTCCATACA[C>T]GTTGATTGCACGTACACGGAACTTATATTCGTGGTCAGGCAGCAGGTCCTGGACGTTGAA-3'
Protein context (NP_444253.3, residues 1399-1419): EYKFRVRAIN[Val1409Met]YGTSEPSQES